The following is an entry in ClinVar:

NM_152618.3(BBS12):c.1352C>A (p.Ala451Glu)

Gene: BBS12 (Bardet-Biedl syndrome 12; plus strand). Cytogenetic location: 4q27.
Variant type: single nucleotide variant.
Coding change: c.1352C>A on transcript NM_152618.3 (MANE Select); coding-DNA position 1352, C replaced by A.
Protein change: p.Ala451Glu; replaces alanine 451 with glutamic acid.
Molecular consequence: missense variant.
Genome position (GRCh38, 1-based): chr4:122,743,244, C>A. VCF-style: chr4-122743244-C-A. GRCh37 (hg19) VCF-style: chr4-123664399-C-A.
Other names: c.1352C>A, p.Ala451Glu (NM_001178007.2); short protein forms A451E.
Identifiers: ClinVar variation 1436284 (VCV001436284.5), dbSNP rs2150737180, ClinGen allele CA358224934.

ClinVar aggregate classification (germline): Uncertain significance (1 of 4 stars; one submission).

Conditions:
Bardet-Biedl syndrome (BBS). Identifiers: Orphanet 110, MedGen C0752166, MONDO:0015229.

Submission:

Labcorp Genetics (formerly Invitae), Labcorp
Classification: Uncertain significance for Bardet-Biedl syndrome. Last evaluated: 2021-08-13. Review status: criteria provided, single submitter. Criteria: Invitae Variant Classification Sherloc (09022015). Collection method: clinical testing. Allele origin: germline.
Comment: This sequence change replaces alanine with glutamic acid at codon 451 of the BBS12 protein (p.Ala451Glu). The alanine residue is highly conserved and there is a moderate physicochemical difference between alanine and glutamic acid. This variant is not present in population databases (ExAC no frequency). This variant has not been reported in the literature in individuals affected with BBS12-related conditions. Algorithms developed to predict the effect of missense changes on protein structure and function are either unavailable or do not agree on the potential impact of this missense change (SIFT: "Deleterious"; PolyPhen-2: "Probably Damaging"; Align-GVGD: "Class C0"). In summary, the available evidence is currently insufficient to determine the role of this variant in disease. Therefore, it has been classified as a Variant of Uncertain Significance.